The following is an entry in ClinVar:

NM_021035.3(ZNFX1):c.2804+18T>C

Gene: ZNFX1 (zinc finger NFX1-type containing 1; minus strand). Cytogenetic location: 20q13.13.
Variant type: single nucleotide variant.
Coding change: c.2804+18T>C on transcript NM_021035.3 (MANE Select); 18 bases into the intron after coding-DNA position 2804, T replaced by C.
Molecular consequence: intron variant.
Genome position (GRCh38, 1-based): chr20:49,255,790, A>G on the plus strand (T>C on the coding strand, the complement: ZNFX1 is on the minus strand). VCF-style: chr20-49255790-A-G. GRCh37 (hg19) VCF-style: chr20-47872327-A-G.
Identifiers: ClinVar variation 2687967 (VCV002687967.2), dbSNP rs238220, ClinGen allele CA9902180.

ClinVar aggregate classification (germline): Benign (1 of 4 stars; one submission).

Allele frequency attached by ClinVar (database versions not stated): 1000 Genomes Project 30x 0.60353; 1000 Genomes Project 0.60783; TOPMed 0.67145; gnomAD 0.69098; ESP Exome Variant Server 0.69998; ExAC 0.70141; gnomAD exomes 0.75087.
gnomAD v4.1: 1,189,212 of 1,596,908 alleles (74%); highest among the groups gnomAD compares: Non-Finnish European, 77%; 447,367 homozygotes.

Submission:

Unidad de Genómica Garrahan, Hospital de Pediatría Garrahan
Classification: Benign. Last evaluated: 2024-01-24. Review status: criteria provided, single submitter. Criteria: ACMG Guidelines, 2015. Collection method: clinical testing. Allele origin: germline. Affected: no. Observed: 81 variant alleles.
Comment: This variant is classified as Benign based on local population frequency. This variant was detected in 85% of patients studied by a panel of primary immunodeficiencies. Number of patients: 81. Only high quality variants are reported.